The following is an entry in ClinVar:

NM_001077415.3(CRELD1):c.777C>G (p.Asp259Glu)

Gene: CRELD1 (CRELD disulfide isomerase 1; plus strand). Cytogenetic location: 3p25.3.
Variant type: single nucleotide variant.
Coding change: c.777C>G on transcript NM_001077415.3 (MANE Select); coding-DNA position 777, C replaced by G.
Protein change: p.Asp259Glu; replaces aspartic acid 259 with glutamic acid.
Molecular consequence: missense variant. On other transcripts: non-coding transcript variant (3), intron variant (2).
Genome position (GRCh38, 1-based): chr3:9,942,856, C>G. VCF-style: chr3-9942856-C-G. GRCh37 (hg19) VCF-style: chr3-9984540-C-G.
Other names: c.777C>G, p.Asp259Glu (NM_001031717.4, NM_001374316.1, NM_001374317.1 and 3 more transcripts); c.734-221C>G (NM_001374319.1, NM_001374320.1); short protein forms D259E.
Identifiers: ClinVar variation 4071686 (VCV004071686.1).

ClinVar aggregate classification (germline): Uncertain significance (1 of 4 stars; one submission).

Submission:

GeneDx
Classification: Uncertain significance. Last evaluated: 2025-01-24. Review status: criteria provided, single submitter. Criteria: GeneDx Variant Classification Process June 2021. Collection method: clinical testing. Allele origin: germline. Affected: yes.
Comment: Not observed at significant frequency in large population cohorts (gnomAD); In silico analysis indicates that this missense variant does not alter protein structure/function; Has not been previously published as pathogenic or benign to our knowledge